The following is an entry in ClinVar:

NM_014345.3(ZNF318):c.1920T>C (p.Phe640=)

Gene: ZNF318 (zinc finger protein 318; minus strand). Cytogenetic location: 6p21.1.
Variant type: single nucleotide variant.
Coding change: c.1920T>C on transcript NM_014345.3 (MANE Select); coding-DNA position 1920, T replaced by C.
Protein change: p.Phe640=; no amino-acid change (phenylalanine 640 retained).
Molecular consequence: synonymous variant.
Genome position (GRCh38, 1-based): chr6:43,355,414, A>G on the plus strand (T>C on the coding strand, the complement: ZNF318 is on the minus strand). VCF-style: chr6-43355414-A-G. GRCh37 (hg19) VCF-style: chr6-43323152-A-G.
Identifiers: ClinVar variation 2656597 (VCV002656597.24), dbSNP rs561784165, ClinGen allele CA138276123.

ClinVar aggregate classification (germline): Likely benign (1 of 4 stars; one submission).

Allele frequency attached by ClinVar (database versions not stated): gnomAD 0.00001; TOPMed 0.00001; 1000 Genomes Project 30x 0.00016; 1000 Genomes Project 0.00060.
gnomAD v4.1: 10 of 1,614,082 alleles (0.00062%); highest among the groups gnomAD compares: East Asian, 0.0022%; no homozygotes.

Submission:

CeGaT Center for Human Genetics Tuebingen
Classification: Likely benign. Last evaluated: 2022-12-01. Review status: criteria provided, single submitter. Criteria: CeGaT Center For Human Genetics Tuebingen Variant Classification Criteria Version 2. Collection method: clinical testing. Allele origin: germline. Affected: yes. Observed: 1 variant allele.
Comment: ZNF318: BP4, BP7